The following is an entry in ClinVar:

ClinVar aggregate classification (germline): Likely pathogenic (1 of 4 stars; one submission).

Conditions:
JAG1-related disorder. Also called: JAG1-related condition; JAG1-related disorders.

Submission:

PreventionGenetics, part of Exact Sciences
Classification: Likely pathogenic for JAG1-related condition. Last evaluated: 2025-01-17. Review status: criteria provided, single submitter. Criteria: ACMG Guidelines, 2015. Collection method: clinical testing. Allele origin: germline.
Comment: The JAG1 c.3175_3182del8 variant is predicted to result in a frameshift and premature protein termination (p.Arg1059Serfs*47). To our knowledge, this variant has not been reported in the literature or in a large population database (gnomAD), indicating this variant is rare. Frameshift variants in JAG1 are expected to be pathogenic. This variant is interpreted as likely pathogenic.

NM_000214.3(JAG1):c.3175_3182del (p.Arg1059fs)

Gene: JAG1 (jagged canonical Notch ligand 1; minus strand). Cytogenetic location: 20p12.2.
Variant type: Deletion.
Coding change: c.3175_3182del on transcript NM_000214.3 (MANE Select); coding-DNA positions 3175 to 3182, 8 bases deleted (AGGCGGCC; older notation c.3175_3182delAGGCGGCC).
Protein change: p.Arg1059fs; shifts the reading frame from arginine 1059.
Molecular consequence: frameshift variant.
Genome position (GRCh38, 1-based): chr20:10,640,800-10,640,807, GGCCGCCT deleted on the plus strand (AGGCGGCC on the coding strand, the reverse complement: JAG1 is on the minus strand). VCF-style (leftmost placement, unchanged base first): chr20-10640799-AGGCCGCCT-A. GRCh37 (hg19) VCF-style: chr20-10621447-AGGCCGCCT-A.
Other names: short protein forms R1059fs.
Identifiers: ClinVar variation 5001308 (VCV005001308.1).